The following is an entry in ClinVar:

NM_015215.4(CAMTA1):c.3433A>G (p.Arg1145Gly)

Gene: CAMTA1 (calmodulin binding transcription activator 1; plus strand). Cytogenetic location: 1p36.23.
Variant type: single nucleotide variant.
Coding change: c.3433A>G on transcript NM_015215.4 (MANE Select); coding-DNA position 3433, A replaced by G.
Protein change: p.Arg1145Gly; replaces arginine 1145 with glycine.
Molecular consequence: missense variant.
Genome position (GRCh38, 1-based): chr1:7,737,345, A>G. VCF-style: chr1-7737345-A-G. GRCh37 (hg19) VCF-style: chr1-7797405-A-G.
Other names: c.3343A>G, p.Arg1115Gly (NM_001349608.2, NM_001349612.2); c.3433A>G, p.Arg1145Gly (NM_001349609.2, NM_001349610.2, NM_001410737.1); c.562A>G, p.Arg188Gly (NM_001349613.1); c.505A>G, p.Arg169Gly (NM_001349614.1, NM_001349615.2, NM_001349616.2 and 10 more transcripts); c.3361A>G, p.Arg1121Gly (NM_001410738.1); short protein forms R1115G, R1121G, R1145G, R169G, R188G.
Identifiers: ClinVar variation 4070785 (VCV004070785.1).

ClinVar aggregate classification (germline): Uncertain significance (1 of 4 stars; one submission).

Submission:

GeneDx
Classification: Uncertain significance. Last evaluated: 2025-01-15. Review status: criteria provided, single submitter. Criteria: GeneDx Variant Classification Process June 2021. Collection method: clinical testing. Allele origin: germline. Affected: yes.
Comment: Not observed at significant frequency in large population cohorts (gnomAD); In silico analysis supports that this missense variant has a deleterious effect on protein structure/function; Has not been previously published as pathogenic or benign to our knowledge